The following is an entry in ClinVar:

NM_198204.2(MLX):c.506A>G (p.Gln169Arg)

Gene: MLX (MAX dimerization protein MLX; plus strand). Cytogenetic location: 17q21.2.
Variant type: single nucleotide variant.
Coding change: c.506A>G on transcript NM_198204.2 (MANE Select); coding-DNA position 506, A replaced by G.
Protein change: p.Gln169Arg; replaces glutamine 169 with arginine.
Molecular consequence: missense variant.
Genome position (GRCh38, 1-based): chr17:42,570,011, A>G. VCF-style: chr17-42570011-A-G. GRCh37 (hg19) VCF-style: chr17-40722029-A-G.
Other names: c.668A>G, p.Gln223Arg (NM_170607.3); c.416A>G, p.Gln139Arg (NM_198205.2); short protein forms Q139R, Q169R, Q223R.
Identifiers: ClinVar variation 1283516 (VCV001283516.2), dbSNP rs665268, ClinGen allele CA8578710.

ClinVar aggregate classification (germline): Benign. Review status: criteria provided, multiple submitters, no conflicts (2 of 4 stars). 2 submissions from 2 submitters: Benign (2). Last evaluated 2018-07-13.

Allele frequency attached by ClinVar (database versions not stated): gnomAD 0.24247 and 0.25252; TOPMed 0.24432; ESP Exome Variant Server 0.24812; gnomAD exomes 0.28380 and 0.28828; ExAC 0.29031; 1000 Genomes Project 30x 0.31184; 1000 Genomes Project 0.32149.
gnomAD v4.1: 459,571 of 1,613,608 alleles (28%); highest among the groups gnomAD compares: South Asian, 45%; 68,468 homozygotes.

Submissions (2):

GeneDx
Classification: Benign. Last evaluated: 2018-07-13. Review status: criteria provided, single submitter. Criteria: GeneDx Variant Classification Process June 2021. Collection method: clinical testing. Allele origin: germline. Affected: yes.
Comment: This variant is associated with the following publications: (PMID: 29632382, 23830516)

Breakthrough Genomics
Classification: Benign. Review status: criteria provided, single submitter. Criteria: ACMG Guidelines, 2015. Collection method: not provided. Allele origin: germline. Inheritance: Unknown mechanism. Affected: yes.